The following is an entry in ClinVar:

NM_000520.6(HEXA):c.238C>A (p.Arg80Ser)

Gene: HEXA (hexosaminidase subunit alpha; minus strand). Cytogenetic location: 15q23.
Variant type: single nucleotide variant.
Coding change: c.238C>A on transcript NM_000520.6 (MANE Select); coding-DNA position 238, C replaced by A.
Protein change: p.Arg80Ser; replaces arginine 80 with serine.
Molecular consequence: missense variant. On other transcripts: non-coding transcript variant (1).
Genome position (GRCh38, 1-based): chr15:72,375,735, G>T on the plus strand (C>A on the coding strand, the complement: HEXA is on the minus strand). VCF-style: chr15-72375735-G-T. GRCh37 (hg19) VCF-style: chr15-72668076-G-T.
Other names: c.238C>A, p.Arg80Ser (NM_001318825.2); c.238C>A (NM_000520.4); short protein forms R80S.
Identifiers: ClinVar variation 1035422 (VCV001035422.8), dbSNP rs1240272655, ClinGen allele CA393070053.

ClinVar aggregate classification (germline): Uncertain significance. Review status: criteria provided, multiple submitters, no conflicts (2 of 4 stars). 3 submissions from 3 submitters: Uncertain significance (3). Last evaluated 2025-04-09.

Conditions:
Inborn genetic diseases. Identifiers: MedGen C0950123, MeSH D030342.
Tay-Sachs disease (TSD). Also called: HEXA DEFICIENCY; HEXA Disorders; GM2 gangliosidosis, type 1; Hexosaminidase alpha-subunit deficiency (variant B); Sphingolipidosis, Tay-Sachs; Hexosaminidase A Deficiency. Identifiers: Orphanet 845, MedGen C0039373, MONDO:0010100, OMIM 272800.

Allele frequency attached by ClinVar (database versions not stated): TOPMed 0.00001.
gnomAD v4.1: 6 of 1,614,166 alleles (0.00037%); highest among the groups gnomAD compares: Non-Finnish European, 0.00051%; no homozygotes.

Submissions (3):

Ambry Genetics
Classification: Uncertain significance for Inborn genetic diseases. Last evaluated: 2025-04-09. Review status: criteria provided, single submitter. Criteria: Ambry Variant Classification Scheme 2023. Collection method: clinical testing. Allele origin: germline.

Fulgent Genetics
Classification: Uncertain significance for Tay-Sachs disease. Last evaluated: 2022-04-11. Review status: criteria provided, single submitter. Criteria: ACMG Guidelines, 2015. Collection method: clinical testing. Allele origin: unknown.

Labcorp Genetics (formerly Invitae), Labcorp
Classification: Uncertain significance for Tay-Sachs disease. Last evaluated: 2021-09-02. Review status: criteria provided, single submitter. Criteria: Invitae Variant Classification Sherloc (09022015). Collection method: clinical testing. Allele origin: germline.
Comment: This sequence change replaces arginine with serine at codon 80 of the HEXA protein (p.Arg80Ser). The arginine residue is weakly conserved and there is a moderate physicochemical difference between arginine and serine. This variant is not present in population databases (ExAC no frequency). This variant has not been reported in the literature in individuals affected with HEXA-related conditions. Algorithms developed to predict the effect of missense changes on protein structure and function output the following: SIFT: "Tolerated"; PolyPhen-2: "Benign"; Align-GVGD: "Class C0". The serine amino acid residue is found in multiple mammalian species, which suggests that this missense change does not adversely affect protein function. Algorithms developed to predict the effect of sequence changes on RNA splicing suggest that this variant may create or strengthen a splice site. In summary, the available evidence is currently insufficient to determine the role of this variant in disease. Therefore, it has been classified as a Variant of Uncertain Significance.